The following is an entry in ClinVar:

ClinVar aggregate classification (germline): Uncertain significance (1 of 4 stars; one submission).

Conditions:
Cardiovascular phenotype. Identifiers: MedGen CN230736.

gnomAD v4.1: 6 of 1,614,214 alleles (0.00037%); highest among the groups gnomAD compares: Non-Finnish European, 0.00051%; no homozygotes.

Submission:

Ambry Genetics
Classification: Uncertain significance for Cardiovascular phenotype. Last evaluated: 2025-01-13. Review status: criteria provided, single submitter. Criteria: Ambry Variant Classification Scheme 2023. Collection method: clinical testing. Allele origin: germline.
Comment: The p.K367N variant (also known as c.1101A>T), located in coding exon 8 of the ABCG5 gene, results from an A to T substitution at nucleotide position 1101. The lysine at codon 367 is replaced by asparagine, an amino acid with similar properties. This amino acid position is conserved. In addition, the in silico prediction for this alteration is inconclusive. Based on the available evidence, the clinical significance of this variant remains unclear.

NM_022436.3(ABCG5):c.1101A>T (p.Lys367Asn)

Genes: ABCG5 (ATP binding cassette subfamily G member 5; minus strand), DYNC2LI1 (dynein cytoplasmic 2 light intermediate chain 1; plus strand). Cytogenetic location: 2p21.
Variant type: single nucleotide variant.
Coding change: c.1101A>T on transcript NM_022436.3 (MANE Select); coding-DNA position 1101, A replaced by T.
Protein change: p.Lys367Asn; replaces lysine 367 with asparagine.
Molecular consequence: missense variant. On other transcripts: intron variant (2).
Genome position (GRCh38, 1-based): chr2:43,824,236, T>A on the plus strand (A>T on the coding strand, the complement: ABCG5 is on the minus strand). VCF-style: chr2-43824236-T-A. GRCh37 (hg19) VCF-style: chr2-44051375-T-A.
Other names: c.*16-3150T>A (NM_001348913.2, NM_001348912.2); short protein forms K367N.
Identifiers: ClinVar variation 3887068 (VCV003887068.1).